The following is an entry in ClinVar:

ClinVar aggregate classification (germline): Uncertain significance. Review status: criteria provided, multiple submitters, no conflicts (2 of 4 stars). 2 submissions from 2 submitters: Uncertain significance (2). Last evaluated 2025-03-12.

Conditions:
Dyskeratosis congenita, autosomal recessive 5 (DKCB5). Identifiers: MedGen C3554656, MONDO:0014076, OMIM 615190.
Pulmonary fibrosis and/or bone marrow failure, Telomere-related, 3. Also called: PULMONARY FIBROSIS AND/OR BONE MARROW FAILURE SYNDROME, TELOMERE-RELATED, 3. Identifiers: Orphanet 2032, MedGen C4225346, MONDO:0014613, OMIM 616373.
Inborn genetic diseases. Identifiers: MedGen C0950123, MeSH D030342.

Submissions (2):

Ambry Genetics
Classification: Uncertain significance for Inborn genetic diseases. Last evaluated: 2025-03-12. Review status: criteria provided, single submitter. Criteria: Ambry Variant Classification Scheme 2023. Collection method: clinical testing. Allele origin: germline.
Comment: The p.G1075C variant (also known as c.3223G>T), located in coding exon 31 of the RTEL1 gene, results from a G to T substitution at nucleotide position 3223. The glycine at codon 1075 is replaced by cysteine, an amino acid with highly dissimilar properties. This amino acid position is conserved. In addition, this alteration is predicted to be tolerated by in silico analysis. Based on the available evidence, the clinical significance of this variant remains unclear.

Labcorp Genetics (formerly Invitae), Labcorp
Classification: Uncertain significance for Dyskeratosis congenita, autosomal recessive 5; Pulmonary fibrosis and/or bone marrow failure, Telomere-related, 3. Last evaluated: 2020-07-20. Review status: criteria provided, single submitter. Criteria: Invitae Variant Classification Sherloc (09022015). Collection method: clinical testing. Allele origin: germline.
Comment: In summary, the available evidence is currently insufficient to determine the role of this variant in disease. Therefore, it has been classified as a Variant of Uncertain Significance. Algorithms developed to predict the effect of missense changes on protein structure and function output the following: SIFT: "Deleterious"; PolyPhen-2: "Benign"; Align-GVGD: "Class C0". The cysteine amino acid residue is found in multiple mammalian species, suggesting that this missense change does not adversely affect protein function. These predictions have not been confirmed by published functional studies and their clinical significance is uncertain. This variant has not been reported in the literature in individuals with RTEL1-related conditions. This variant is not present in population databases (ExAC no frequency). This sequence change replaces glycine with cysteine at codon 1075 of the RTEL1 protein (p.Gly1075Cys). The glycine residue is weakly conserved and there is a large physicochemical difference between glycine and cysteine.

NM_001283009.2(RTEL1):c.3223G>T (p.Gly1075Cys)

Genes: RTEL1 (regulator of telomere elongation helicase 1; plus strand), RTEL1-TNFRSF6B (RTEL1-TNFRSF6B readthrough (NMD candidate); plus strand). Cytogenetic location: 20q13.33.
Variant type: single nucleotide variant.
Coding change: c.3223G>T on transcript NM_001283009.2 (MANE Select); coding-DNA position 3223, G replaced by T.
Protein change: p.Gly1075Cys; replaces glycine 1075 with cysteine.
Molecular consequence: missense variant. On other transcripts: non-coding transcript variant (1).
Genome position (GRCh38, 1-based): chr20:63,694,854, G>T. VCF-style: chr20-63694854-G-T. GRCh37 (hg19) VCF-style: chr20-62326207-G-T.
Other names: c.2554G>T, p.Gly852Cys (NM_001283010.1); c.3223G>T, p.Gly1075Cys (NM_016434.4); c.3295G>T, p.Gly1099Cys (NM_032957.5); short protein forms G1099C, G852C, G1075C.
Identifiers: ClinVar variation 1047415 (VCV001047415.10), dbSNP rs1431515751, ClinGen allele CA409684990.